The following is an entry in ClinVar:

ClinVar aggregate classification (germline): Likely benign (0 of 4 stars; one submission).

Conditions:
ARMC5-related disorder. Also called: ARMC5-related condition.

Allele frequency attached by ClinVar (database versions not stated): gnomAD 0.00009; TOPMed 0.00009; 1000 Genomes Project 30x 0.00031; 1000 Genomes Project 0.00040.
gnomAD v4.1: 72 of 1,613,824 alleles (0.0045%); highest among the groups gnomAD compares: African/African-American, 0.029%; no homozygotes.

Submission:

PreventionGenetics, part of Exact Sciences
Classification: Likely benign for ARMC5-related condition. Last evaluated: 2020-08-10. Review status: no assertion criteria provided. Collection method: clinical testing. Allele origin: germline.
Comment: This variant is classified as likely benign based on ACMG/AMP sequence variant interpretation guidelines (Richards et al. 2015 PMID: 25741868, with internal and published modifications).

NM_001105247.2(ARMC5):c.1864+248C>T

Gene: ARMC5 (armadillo repeat containing 5; plus strand). Cytogenetic location: 16p11.2.
Variant type: single nucleotide variant.
Coding change: c.1864+248C>T on transcript NM_001105247.2 (MANE Select); 248 bases into the intron after coding-DNA position 1864, C replaced by T.
Molecular consequence: intron variant. On other transcripts: synonymous variant (1).
Genome position (GRCh38, 1-based): chr16:31,465,135, C>T. VCF-style: chr16-31465135-C-T. GRCh37 (hg19) VCF-style: chr16-31476456-C-T.
Other names: c.2112C>T, p.Pro704= (NM_024742.2); c.2149+248C>T (NM_001288767.2); c.1960+248C>T (NM_001301820.1).
Identifiers: ClinVar variation 3051685 (VCV003051685.2), dbSNP rs549737362, ClinGen allele CA8029865.